The following is an entry in ClinVar:

ClinVar aggregate classification (germline): Uncertain significance (1 of 4 stars; one submission).

Conditions:
PKD1L1-related disorder. Also called: PKD1L1-related condition.

gnomAD v4.1: 1 of 1,610,964 alleles (0.000062%); highest among the groups gnomAD compares: Non-Finnish European, 0.000085%; no homozygotes.

Submission:

PreventionGenetics, part of Exact Sciences
Classification: Uncertain significance for PKD1L1-related condition. Last evaluated: 2025-08-13. Review status: criteria provided, single submitter. Criteria: ACMG Guidelines, 2015. Collection method: clinical testing. Allele origin: germline.
Comment: The PKD1L1 c.8526G>C variant is predicted to result in the amino acid substitution p.Glu2842Asp. To our knowledge, this variant has not been reported in the literature. This variant is reported in 0.00088% of alleles in individuals of European (Non-Finnish) descent in gnomAD. At this time, the clinical significance of this variant is uncertain due to the absence of conclusive functional and genetic evidence.

NM_138295.5(PKD1L1):c.8526G>C (p.Glu2842Asp)

Gene: PKD1L1 (polycystin 1 like 1, transient receptor potential channel interacting; minus strand). Cytogenetic location: 7p12.3.
Variant type: single nucleotide variant.
Coding change: c.8526G>C on transcript NM_138295.5 (MANE Select); coding-DNA position 8526, G replaced by C.
Protein change: p.Glu2842Asp; replaces glutamic acid 2842 with aspartic acid.
Molecular consequence: missense variant.
Genome position (GRCh38, 1-based): chr7:47,792,627, C>G on the plus strand (G>C on the coding strand, the complement: PKD1L1 is on the minus strand). VCF-style: chr7-47792627-C-G. GRCh37 (hg19) VCF-style: chr7-47832225-C-G.
Other names: short protein forms E2842D.
Identifiers: ClinVar variation 4977667 (VCV004977667.1).